The following is an entry in ClinVar:

ClinVar aggregate classification (germline): Uncertain significance. Review status: criteria provided, multiple submitters, no conflicts (2 of 4 stars). 3 submissions from 3 submitters: Uncertain significance (3). Last evaluated 2024-10-16.

Conditions:
Primary ciliary dyskinesia 27. Also called: CILIARY DYSKINESIA, PRIMARY, 27, WITHOUT SITUS INVERSUS. Identifiers: Orphanet 244, MedGen C3809701, MONDO:0014215, OMIM 615504.
Inborn genetic diseases. Identifiers: MedGen C0950123, MeSH D030342.

Allele frequency attached by ClinVar (database versions not stated): 1000 Genomes Project 0.00020; ExAC 0.00027; gnomAD exomes 0.00028 and 0.00056; 1000 Genomes Project 30x 0.00031; ESP Exome Variant Server 0.00031; TOPMed 0.00033; gnomAD 0.00036 and 0.00038.
gnomAD v4.1: 850 of 1,613,714 alleles (0.053%); highest among the groups gnomAD compares: Non-Finnish European, 0.07%; no homozygotes.

Submissions (3):

Labcorp Genetics (formerly Invitae), Labcorp
Classification: Uncertain significance for Primary ciliary dyskinesia 27. Last evaluated: 2024-10-16. Review status: criteria provided, single submitter. Criteria: Invitae Variant Classification Sherloc (09022015). Collection method: clinical testing. Allele origin: germline.
Comment: This sequence change replaces leucine, which is neutral and non-polar, with proline, which is neutral and non-polar, at codon 268 of the CCDC65 protein (p.Leu268Pro). This variant is present in population databases (rs150949692, gnomAD 0.05%). This variant has not been reported in the literature in individuals affected with CCDC65-related conditions. ClinVar contains an entry for this variant (Variation ID: 541529). An algorithm developed to predict the effect of missense changes on protein structure and function (PolyPhen-2) suggests that this variant is likely to be disruptive. In summary, the available evidence is currently insufficient to determine the role of this variant in disease. Therefore, it has been classified as a Variant of Uncertain Significance.

Blueprint Genetics
Classification: Uncertain significance. Last evaluated: 2024-10-08. Review status: criteria provided, single submitter. Criteria: ACMG Guidelines, 2015. Collection method: clinical testing. Allele origin: germline.

Ambry Genetics
Classification: Uncertain significance for Inborn genetic diseases. Last evaluated: 2024-07-09. Review status: criteria provided, single submitter. Criteria: Ambry Variant Classification Scheme 2023. Collection method: clinical testing. Allele origin: germline.

NM_033124.5(DRC2):c.803T>C (p.Leu268Pro)

Gene: DRC2 (dynein regulatory complex subunit 2; plus strand). Cytogenetic location: 12q13.12.
Variant type: single nucleotide variant.
Coding change: c.803T>C on transcript NM_033124.5 (MANE Select); coding-DNA position 803, T replaced by C.
Protein change: p.Leu268Pro; replaces leucine 268 with proline.
Molecular consequence: missense variant.
Genome position (GRCh38, 1-based): chr12:48,918,468, T>C. VCF-style: chr12-48918468-T-C. GRCh37 (hg19) VCF-style: chr12-49312251-T-C.
Other names: c.374T>C, p.Leu125Pro (NM_001286957.2); short protein forms L268P, L125P.
Identifiers: ClinVar variation 541529 (VCV000541529.10), dbSNP rs150949692, ClinGen allele CA6543332.